The following is an entry in ClinVar:

NM_024675.3:c.1961_1962insALU

Gene: PALB2 (partner and localizer of BRCA2; minus strand).
Variant type: Insertion.
Identifiers: ClinVar variation 4130331 (VCV004130331.1).

ClinVar aggregate classification (germline): Likely pathogenic (1 of 4 stars; one submission).

Conditions:
Hereditary cancer-predisposing syndrome. Also called: Hereditary neoplastic syndrome; Neoplastic Syndromes, Hereditary; Tumor predisposition; Hereditary Cancer Syndrome. Identifiers: Orphanet 140162, MedGen C0027672, MeSH D009386, MONDO:0015356.

Submission:

Ambry Genetics
Classification: Likely pathogenic for Hereditary cancer-predisposing syndrome. Last evaluated: 2025-08-06. Review status: criteria provided, single submitter. Criteria: Ambry Variant Classification Scheme 2023. Collection method: clinical testing. Allele origin: germline.
Comment: The c.1961_1962insALU likely pathogenic variant results from the insertion of an Alu element in coding exon 5 of the PALB2 gene. Mobile element insertions contribute to pathogenicity by either disrupting the coding sequence or inducing aberrant splicing (Belancio VP et al. Semin. Cancer Biol. 2010 Aug;20:200-10; Deininger P et al. Genome Biol. 2011 Dec;12:236; van der Klift HM Hum Mutat. 2012 Jul;33(7):1051-5). Based on the majority of available evidence to date, this variant is likely to be pathogenic.